The following is an entry in ClinVar:

ClinVar aggregate classification (germline): Benign/Likely benign. Review status: criteria provided, multiple submitters, no conflicts (2 of 4 stars). 3 submissions from 3 submitters: Benign (2); Likely benign (1). Last evaluated 2026-09-01.

Allele frequency attached by ClinVar (database versions not stated): gnomAD exomes 0.00043 and 0.00067; ExAC 0.00066; gnomAD 0.00204 and 0.00223; ESP Exome Variant Server 0.00210; TOPMed 0.00236; 1000 Genomes Project 0.00280; 1000 Genomes Project 30x 0.00328.
gnomAD v4.1: 972 of 1,613,990 alleles (0.06%); highest among the groups gnomAD compares: African/African-American, 0.58%; 1 homozygote.

Submissions (3):

CeGaT Center for Human Genetics Tuebingen
Classification: Benign. Last evaluated: 2026-09-01. Review status: criteria provided, single submitter. Criteria: CeGaT Center For Human Genetics Tuebingen Variant Classification Criteria Version 2. Collection method: clinical testing. Allele origin: germline. Affected: yes. Observed: 3 variant alleles.
Comment: ASXL2: BS1, BS2

Labcorp Genetics (formerly Invitae), Labcorp
Classification: Benign. Last evaluated: 2026-01-15. Review status: criteria provided, single submitter. Criteria: Invitae Variant Classification Sherloc (09022015). Collection method: clinical testing. Allele origin: germline.

Blueprint Genetics
Classification: Likely benign. Last evaluated: 2024-11-11. Review status: criteria provided, single submitter. Criteria: ACMG Guidelines, 2015. Collection method: clinical testing. Allele origin: germline.

NM_018263.6(ASXL2):c.2392A>G (p.Ile798Val)

Gene: ASXL2 (ASXL transcriptional regulator 2; minus strand). Cytogenetic location: 2p23.3.
Variant type: single nucleotide variant.
Coding change: c.2392A>G on transcript NM_018263.6 (MANE Select); coding-DNA position 2392, A replaced by G.
Protein change: p.Ile798Val; replaces isoleucine 798 with valine.
Molecular consequence: missense variant.
Genome position (GRCh38, 1-based): chr2:25,743,945, T>C on the plus strand (A>G on the coding strand, the complement: ASXL2 is on the minus strand). VCF-style: chr2-25743945-T-C. GRCh37 (hg19) VCF-style: chr2-25966814-T-C.
Other names: c.2218A>G, p.Ile740Val (NM_001369346.1); c.1612A>G, p.Ile538Val (NM_001369347.1); short protein forms I538V, I740V, I798V.
Identifiers: ClinVar variation 789965 (VCV000789965.35), dbSNP rs192200822, ClinGen allele CA1557642.
Genomic context (GRCh38, chr2:25,743,945, plus strand): 5'-CAGAGGCCACTGTGGCTGTTGCTCTGGTGGGGTTCAGTTTTTCATTATCCAATTTCTCTA[T>C]GTGGGCTGGTGATGGGACACTTGTGCATGCTCCACTGACGGCAGGTGTTGGAGGCACTGG-3'
Protein context (NP_060733.4, residues 788-808): ACTSVPSPAH[Ile798Val]EKLDNEKLNP